The following is an entry in ClinVar:

ClinVar aggregate classification (germline): Pathogenic. Review status: criteria provided, multiple submitters, no conflicts (2 of 4 stars). 5 submissions from 5 submitters: Pathogenic (4). 1 of the submissions does not count toward it. Last evaluated 2026-06-01.

Conditions:
MFRP-related disorder. Also called: MFRP-related condition; MFRP-related disorders.
Isolated microphthalmia 5. Also called: Posterior Microphthalmia with Retinitis Pigmentosa, Foveoschisis, and Optic Disc Drusen. Identifiers: Orphanet 251279, MedGen C1970236, MONDO:0012605, OMIM 611040.
Nanophthalmos 2 (NNO2). Also called: NANOPHTHALMIA 2; NANOPHTHALMOS, AUTOSOMAL RECESSIVE. Identifiers: Orphanet 35612, MedGen C1836006, MONDO:0012299, OMIM 609549.

Allele frequency attached by ClinVar (database versions not stated): gnomAD exomes 0.00002 and 0.00004; 1000 Genomes Project 30x 0.00016; 1000 Genomes Project 0.00020; ExAC 0.00006; gnomAD 0.00001; TOPMed 0.00006.

Submissions (5):

PreventionGenetics, part of Exact Sciences
Classification: Pathogenic for MFRP-related condition. Last evaluated: 2026-06-01. Review status: criteria provided, single submitter. Criteria: ACMG Guidelines, 2015. Collection method: clinical testing. Allele origin: germline.
Comment: The MFRP c.523C>T variant is predicted to result in premature protein termination (p.Gln175*). This variant has been reported in the homozygous and compound heterozygous states in individuals with nanophthalmos hyperopia (Sundin et al. 2005. PubMed ID: 15976030; Siggs et al. 2020. PubMed ID: 32052405; Amaral et al. 2024. PubMed ID: 38557281). This variant is present in 0.023% of alleles in individuals of Latino descent in gnomAD. Nonsense variants in MFRP are an established mechanism of disease. This variant is interpreted as pathogenic.

Labcorp Genetics (formerly Invitae), Labcorp
Classification: Pathogenic for Isolated microphthalmia 5. Last evaluated: 2024-12-09. Review status: criteria provided, single submitter. Criteria: Invitae Variant Classification Sherloc (09022015). Collection method: clinical testing. Allele origin: germline.
Comment: This sequence change creates a premature translational stop signal (p.Gln175*) in the MFRP gene. It is expected to result in an absent or disrupted protein product. Loss-of-function variants in MFRP are known to be pathogenic (PMID: 12140190, 15976030, 20361016). This variant is present in population databases (rs121908189, gnomAD 0.02%). This premature translational stop signal has been observed in individual(s) with MFRP-related conditions (PMID: 15976030). ClinVar contains an entry for this variant (Variation ID: 4475). Algorithms developed to predict the effect of sequence changes on RNA splicing suggest that this variant may disrupt the consensus splice site. For these reasons, this variant has been classified as Pathogenic.

Blueprint Genetics
Classification: Pathogenic for MFRP-related disorders. Last evaluated: 2023-12-18. Review status: criteria provided, single submitter. Criteria: ACMG Guidelines, 2015. Collection method: clinical testing. Allele origin: germline. Affected: yes. Observed: 5 variant alleles.

Eurofins Ntd Llc (ga)
Classification: Pathogenic. Last evaluated: 2016-03-02. Review status: criteria provided, single submitter. Criteria: EGL Classification Definitions 2015. Collection method: clinical testing. Allele origin: germline. Observed: 1 variant allele, 1 heterozygote.

OMIM
Classification: Pathogenic for NANOPHTHALMOS 2. Last evaluated: 2005-07-05. Review status: no assertion criteria provided. Collection method: literature only. Allele origin: germline. Not counted in ClinVar's aggregate classification.

Literature cited by the submitters: PubMed 12140190 (cited by Labcorp Genetics (formerly Invitae), Labcorp); PubMed 15976030 (cited by Labcorp Genetics (formerly Invitae), Labcorp and OMIM); PubMed 20361016 (cited by Labcorp Genetics (formerly Invitae), Labcorp).

NM_031433.4(MFRP):c.523C>T (p.Gln175Ter)

Genes: C1QTNF5 (C1q and TNF related 5; minus strand), MFRP (membrane frizzled-related protein; minus strand). Cytogenetic location: 11q23.3.
Variant type: single nucleotide variant.
Coding change: c.523C>T on transcript NM_031433.4 (MANE Select); coding-DNA position 523, C replaced by T.
Protein change: p.Gln175Ter; replaces glutamine 175 with a stop codon.
Molecular consequence: nonsense. On other transcripts: 5 prime UTR variant (1).
Genome position (GRCh38, 1-based): chr11:119,345,538, G>A on the plus strand (C>T on the coding strand, the complement: MFRP is on the minus strand). VCF-style: chr11-119345538-G-A. GRCh37 (hg19) VCF-style: chr11-119216248-G-A.
Other names: c.-2114C>T (NM_015645.5); short protein forms Q175*.
Identifiers: ClinVar variation 4475 (VCV000004475.17), dbSNP rs121908189, ClinGen allele CA017217.